The following continues an entry in ClinVar:

NM_007294.4(BRCA1):c.2457del (p.Asp821fs)

Gene: BRCA1. ClinVar aggregate classification (germline): Pathogenic. Pathogenic (1).

Submission 26 of 26:

Breast Cancer Information Core (BIC) (BRCA1)
Classification: Pathogenic for Breast-ovarian cancer, familial 1. Last evaluated: 2002-05-29. Review status: no assertion criteria provided. Collection method: clinical testing. Allele origin: germline. Affected: yes. Observed: 63 variant alleles. Not counted in ClinVar's aggregate classification.

Literature cited by the submitters: PubMed 20104584 (cited by Labcorp Genetics (formerly Invitae), Labcorp); PubMed 8807330 (cited by 6 submitters); PubMed 23269703 (cited by 9 submitters); PubMed 24504028 (cited by 9 submitters); PubMed 24728189 (cited by 4 submitters); PubMed 26681312 (cited by 4 submitters); PubMed 26718727 (cited by 7 submitters); PubMed 27083775 (cited by Ambry Genetics and Quest Diagnostics Nichols Institute San Juan Capistrano); PubMed 33471991 (cited by Ambry Genetics and Sema4); PubMed 3347199 (cited by All of Us Research Program, National Institutes of Health and Color Diagnostics, LLC DBA Color Health); PubMed 11773283 (cited by 3 submitters); PubMed 14760071 (cited by 3 submitters); PubMed 16284991 (cited by 5 submitters); PubMed 17688236 (cited by 3 submitters); PubMed 18284688 (cited by 3 submitters); PubMed 19340607 (cited by 3 submitters); PubMed 22010008 (cited by 5 submitters); PubMed 23725378 (cited by 3 submitters); PubMed 26845104 (cited by 4 submitters); PubMed 29478780 (cited by 3 submitters); PubMed 31871297 (cited by Quest Diagnostics Nichols Institute San Juan Capistrano and Sema4); PubMed 29446198 (cited by Quest Diagnostics Nichols Institute San Juan Capistrano and Sema4); PubMed 26295337 (cited by Quest Diagnostics Nichols Institute San Juan Capistrano); PubMed 18824701 (cited by 3 submitters); PubMed 16267036 (cited by Quest Diagnostics Nichols Institute San Juan Capistrano and Women's Health and Genetics/Laboratory Corporation of America, LabCorp); PubMed 9159158 (cited by Quest Diagnostics Nichols Institute San Juan Capistrano); PubMed 9667259 (cited by Quest Diagnostics Nichols Institute San Juan Capistrano); PubMed 10464631 (cited by Quest Diagnostics Nichols Institute San Juan Capistrano); PubMed 11606101 (cited by Quest Diagnostics Nichols Institute San Juan Capistrano); PubMed 11668617 (cited by Quest Diagnostics Nichols Institute San Juan Capistrano); PubMed 11748305 (cited by Quest Diagnostics Nichols Institute San Juan Capistrano); PubMed 12097257 (cited by Quest Diagnostics Nichols Institute San Juan Capistrano); PubMed 12354934 (cited by Quest Diagnostics Nichols Institute San Juan Capistrano); PubMed 16234499 (cited by Quest Diagnostics Nichols Institute San Juan Capistrano); PubMed 27836010 (cited by Quest Diagnostics Nichols Institute San Juan Capistrano); PubMed 19941162 (cited by Quest Diagnostics Nichols Institute San Juan Capistrano); PubMed 20665887 (cited by Quest Diagnostics Nichols Institute San Juan Capistrano); PubMed 23580280 (cited by Quest Diagnostics Nichols Institute San Juan Capistrano); PubMed 24131973 (cited by Quest Diagnostics Nichols Institute San Juan Capistrano); PubMed 24448499 (cited by Quest Diagnostics Nichols Institute San Juan Capistrano); PubMed 25186627 (cited by Quest Diagnostics Nichols Institute San Juan Capistrano); PubMed 25452441 (cited by Quest Diagnostics Nichols Institute San Juan Capistrano); PubMed 26023681 (cited by Quest Diagnostics Nichols Institute San Juan Capistrano); PubMed 26187060 (cited by Quest Diagnostics Nichols Institute San Juan Capistrano); PubMed 26884819 (cited by Quest Diagnostics Nichols Institute San Juan Capistrano); PubMed 26913838 (cited by Quest Diagnostics Nichols Institute San Juan Capistrano); PubMed 27153395 (cited by Quest Diagnostics Nichols Institute San Juan Capistrano); PubMed 27760710 (cited by Quest Diagnostics Nichols Institute San Juan Capistrano); PubMed 28122244 (cited by Quest Diagnostics Nichols Institute San Juan Capistrano); PubMed 28145423 (cited by Quest Diagnostics Nichols Institute San Juan Capistrano); PubMed 28152038 (cited by Quest Diagnostics Nichols Institute San Juan Capistrano); PubMed 28281021 (cited by Quest Diagnostics Nichols Institute San Juan Capistrano); PubMed 28569743 (cited by Quest Diagnostics Nichols Institute San Juan Capistrano); PubMed 28726806 (cited by Quest Diagnostics Nichols Institute San Juan Capistrano); PubMed 28831036 (cited by Quest Diagnostics Nichols Institute San Juan Capistrano); PubMed 29133208 (cited by Quest Diagnostics Nichols Institute San Juan Capistrano); PubMed 29435075 (cited by Quest Diagnostics Nichols Institute San Juan Capistrano); PubMed 29625052 (cited by Quest Diagnostics Nichols Institute San Juan Capistrano); PubMed 29684080 (cited by Quest Diagnostics Nichols Institute San Juan Capistrano); PubMed 29901183 (cited by Quest Diagnostics Nichols Institute San Juan Capistrano); PubMed 29922827 (cited by Quest Diagnostics Nichols Institute San Juan Capistrano); PubMed 29936259 (cited by Quest Diagnostics Nichols Institute San Juan Capistrano); PubMed 30191368 (cited by Quest Diagnostics Nichols Institute San Juan Capistrano); PubMed 30646163 (cited by Quest Diagnostics Nichols Institute San Juan Capistrano); PubMed 30702160 (cited by Quest Diagnostics Nichols Institute San Juan Capistrano); PubMed 30720243 (cited by Quest Diagnostics Nichols Institute San Juan Capistrano); PubMed 31209999 (cited by Quest Diagnostics Nichols Institute San Juan Capistrano); PubMed 31325073 (cited by Quest Diagnostics Nichols Institute San Juan Capistrano); PubMed 31341520 (cited by Quest Diagnostics Nichols Institute San Juan Capistrano); PubMed 31347298 (cited by Quest Diagnostics Nichols Institute San Juan Capistrano); PubMed 31407530 (cited by Quest Diagnostics Nichols Institute San Juan Capistrano); PubMed 31528241 (cited by Quest Diagnostics Nichols Institute San Juan Capistrano); PubMed 31616044 (cited by Quest Diagnostics Nichols Institute San Juan Capistrano); PubMed 31639439 (cited by Quest Diagnostics Nichols Institute San Juan Capistrano); PubMed 31825140 (cited by Quest Diagnostics Nichols Institute San Juan Capistrano); PubMed 31853058 (cited by Quest Diagnostics Nichols Institute San Juan Capistrano); PubMed 32152249 (cited by Quest Diagnostics Nichols Institute San Juan Capistrano); PubMed 32371905 (cited by Quest Diagnostics Nichols Institute San Juan Capistrano); PubMed 32486089 (cited by Quest Diagnostics Nichols Institute San Juan Capistrano); PubMed 32614418 (cited by Quest Diagnostics Nichols Institute San Juan Capistrano); PubMed 32699032 (cited by Quest Diagnostics Nichols Institute San Juan Capistrano); PubMed 32719484 (cited by Quest Diagnostics Nichols Institute San Juan Capistrano); PubMed 32843487 (cited by Quest Diagnostics Nichols Institute San Juan Capistrano); PubMed 32856869 (cited by Quest Diagnostics Nichols Institute San Juan Capistrano); PubMed 33314633 (cited by Quest Diagnostics Nichols Institute San Juan Capistrano); PubMed 33477375 (cited by Quest Diagnostics Nichols Institute San Juan Capistrano); PubMed 35377489 (cited by Quest Diagnostics Nichols Institute San Juan Capistrano); PubMed 35578052 (cited by Quest Diagnostics Nichols Institute San Juan Capistrano); PubMed 36753473 (cited by Quest Diagnostics Nichols Institute San Juan Capistrano); PubMed 36927983 (cited by Quest Diagnostics Nichols Institute San Juan Capistrano); PubMed 7663517 (cited by Mayo Clinic Laboratories, Mayo Clinic); PubMed 2618727 (cited by Mayo Clinic Laboratories, Mayo Clinic); PubMed 29712865 (cited by Mayo Clinic Laboratories, Mayo Clinic); PubMed 8606385 (cited by Women's Health and Genetics/Laboratory Corporation of America, LabCorp).